The following is an entry in ClinVar:

ClinVar aggregate classification (germline): Uncertain significance (1 of 4 stars; one submission).

Submission:

GeneDx
Classification: Uncertain significance. Last evaluated: 2024-12-05. Review status: criteria provided, single submitter. Criteria: GeneDx Variant Classification Process June 2021. Collection method: clinical testing. Allele origin: germline. Affected: yes.
Comment: Not observed at significant frequency in large population cohorts (gnomAD); In silico analysis indicates that this missense variant does not alter protein structure/function; Has not been previously published as pathogenic or benign to our knowledge

NM_006766.5(KAT6A):c.259A>G (p.Asn87Asp)

Gene: KAT6A (lysine acetyltransferase 6A; minus strand). Cytogenetic location: 8p11.21.
Variant type: single nucleotide variant.
Coding change: c.259A>G on transcript NM_006766.5 (MANE Select); coding-DNA position 259, A replaced by G.
Protein change: p.Asn87Asp; replaces asparagine 87 with aspartic acid.
Molecular consequence: missense variant.
Genome position (GRCh38, 1-based): chr8:42,048,719, T>C on the plus strand (A>G on the coding strand, the complement: KAT6A is on the minus strand). VCF-style: chr8-42048719-T-C. GRCh37 (hg19) VCF-style: chr8-41906237-T-C.
Other names: c.259A>G, p.Asn87Asp (NM_001305878.2); short protein forms N87D.
Identifiers: ClinVar variation 3901356 (VCV003901356.1).